The following is an entry in ClinVar:

NM_144670.6(A2ML1):c.2653A>G (p.Lys885Glu)

Gene: A2ML1 (alpha-2-macroglobulin like 1; plus strand). Cytogenetic location: 12p13.31.
Variant type: single nucleotide variant.
Coding change: c.2653A>G on transcript NM_144670.6 (MANE Select); coding-DNA position 2653, A replaced by G.
Protein change: p.Lys885Glu; replaces lysine 885 with glutamic acid.
Molecular consequence: missense variant.
Genome position (GRCh38, 1-based): chr12:8,854,190, A>G. VCF-style: chr12-8854190-A-G. GRCh37 (hg19) VCF-style: chr12-9006786-A-G.
Other names: c.1180A>G, p.Lys394Glu (NM_001282424.3); short protein forms K394E, K885E.
Identifiers: ClinVar variation 3838657 (VCV003838657.1).

ClinVar aggregate classification (germline): Uncertain significance (1 of 4 stars; one submission).

gnomAD v4.1: 4 of 1,609,708 alleles (0.00025%); highest among the groups gnomAD compares: Non-Finnish European, 0.00034%; no homozygotes.

Submission:

Ambry Genetics
Classification: Uncertain significance. Last evaluated: 2024-12-13. Review status: criteria provided, single submitter. Criteria: Ambry Variant Classification Scheme 2023. Collection method: clinical testing. Allele origin: germline.
Comment: The p.K885E variant (also known as c.2653A>G), located in coding exon 21 of the A2ML1 gene, results from an A to G substitution at nucleotide position 2653. The lysine at codon 885 is replaced by glutamic acid, an amino acid with similar properties. This amino acid position is conserved. In addition, this alteration is predicted to be tolerated by in silico analysis. Based on the available evidence, the clinical significance of this variant remains unclear.